The following is an entry in ClinVar:

NM_016239.4(MYO15A):c.6691+7T>C

Gene: MYO15A (myosin XVA; plus strand). Cytogenetic location: 17p11.2.
Variant type: single nucleotide variant.
Coding change: c.6691+7T>C on transcript NM_016239.4 (MANE Select); 7 bases into the intron after coding-DNA position 6691, T replaced by C.
Molecular consequence: intron variant.
Genome position (GRCh38, 1-based): chr17:18,148,217, T>C. VCF-style: chr17-18148217-T-C. GRCh37 (hg19) VCF-style: chr17-18051531-T-C.
Identifiers: ClinVar variation 515789 (VCV000515789.3), dbSNP rs1555545536, ClinGen allele CA658798729.

ClinVar aggregate classification (germline): Likely benign. Review status: criteria provided, multiple submitters, no conflicts (2 of 4 stars). 2 submissions from 2 submitters: Likely benign (2). Last evaluated 2024-02-13.

Submissions (2):

Labcorp Genetics (formerly Invitae), Labcorp
Classification: Likely benign. Last evaluated: 2024-02-13. Review status: criteria provided, single submitter. Criteria: Invitae Variant Classification Sherloc (09022015). Collection method: clinical testing. Allele origin: germline.

GeneDx
Classification: Likely benign. Last evaluated: 2018-03-01. Review status: criteria provided, single submitter. Criteria: GeneDx Variant Classification (06012015). Collection method: clinical testing. Allele origin: germline. Affected: yes.
Comment: This variant is considered likely benign or benign based on one or more of the following criteria: it is a conservative change, it occurs at a poorly conserved position in the protein, it is predicted to be benign by multiple in silico algorithms, and/or has population frequency not consistent with disease.